The following is an entry in ClinVar:

NM_206933.4(USH2A):c.1450C>T (p.Gln484Ter)

Gene: USH2A (usherin; minus strand). Cytogenetic location: 1q41.
Variant type: single nucleotide variant.
Coding change: c.1450C>T on transcript NM_206933.4 (MANE Select); coding-DNA position 1450, C replaced by T.
Protein change: p.Gln484Ter; replaces glutamine 484 with a stop codon.
Molecular consequence: nonsense.
Genome position (GRCh38, 1-based): chr1:216,323,574, G>A on the plus strand (C>T on the coding strand, the complement: USH2A is on the minus strand). VCF-style: chr1-216323574-G-A. GRCh37 (hg19) VCF-style: chr1-216496916-G-A.
Other names: c.1450C>T, p.Gln484Ter (NM_007123.6); short protein forms Q484*.
Identifiers: ClinVar variation 867100 (VCV000867100.9), dbSNP rs766370703, ClinGen allele CA344909960.

ClinVar aggregate classification (germline): Pathogenic/Likely pathogenic. Review status: criteria provided, multiple submitters, no conflicts (2 of 4 stars). 4 submissions from 4 submitters: Pathogenic (2); Likely pathogenic (2). Last evaluated 2025-07-08.

Conditions:
USH2A-related disorder. Also called: USH2A-related condition; USH2A-related disorders. Identifiers: MedGen CN239332.
Retinitis pigmentosa 39 (RP39). Identifiers: Orphanet 791, MedGen C3151138, MONDO:0013436, OMIM 613809.
Usher syndrome type 2A. Also called: RETINAL DISEASE IN USHER SYNDROME TYPE IIA, MODIFIER OF; USHER SYNDROME, TYPE IIA. Identifiers: Orphanet 231178, Orphanet 886, MedGen C1848634, MONDO:0010169, OMIM 276901.

Allele frequency attached by ClinVar (database versions not stated): TOPMed 0.00002.
gnomAD v4.1: 1 of 1,613,514 alleles (0.000062%); highest among the groups gnomAD compares: Non-Finnish European, 0.000085%; no homozygotes.

Submissions (4):

Natera, Inc.
Classification: Pathogenic for Usher syndrome type 2A. Last evaluated: 2025-07-08. Review status: criteria provided, single submitter. Criteria: Natera Variant Classification Schema (03/2026). Collection method: clinical testing. Allele origin: germline.
Comment: The c.1450C>T variant in USH2A is a nonsense variant predicted to introduce a stop codon at amino acid 484. This variant is expected to result in nonsense mediated decay, truncation, or a dysfunctional protein product. This variant is rare in the general population with a frequency below the threshold expected for the associated phenotype(s). This variant has been observed in one or more individuals affected with the associated recessive disease, as either homozygous or compound heterozygous with a second variant (PMID: 34948090, 34721897). Given the available evidence, this variant is classified as Pathogenic.

Genome-Nilou Lab
Classification: Likely pathogenic for Retinitis pigmentosa 39. Last evaluated: 2023-11-04. Review status: criteria provided, single submitter. Criteria: ACMG Guidelines, 2015. Collection method: clinical testing. Allele origin: germline. Affected: no.

Labcorp Genetics (formerly Invitae), Labcorp
Classification: Pathogenic. Last evaluated: 2023-03-12. Review status: criteria provided, single submitter. Criteria: Invitae Variant Classification Sherloc (09022015). Collection method: clinical testing. Allele origin: germline.
Comment: This sequence change creates a premature translational stop signal (p.Gln484*) in the USH2A gene. It is expected to result in an absent or disrupted protein product. Loss-of-function variants in USH2A are known to be pathogenic (PMID: 10729113, 10909849, 20507924, 25649381). This premature translational stop signal has been observed in individual(s) with retinitis pigmentosa (PMID: 33946315). For these reasons, this variant has been classified as Pathogenic. Algorithms developed to predict the effect of sequence changes on RNA splicing suggest that this variant may create or strengthen a splice site. ClinVar contains an entry for this variant (Variation ID: 867100). This variant is not present in population databases (gnomAD no frequency).

Blueprint Genetics
Classification: Likely pathogenic for USH2A-related disorders. Last evaluated: 2019-10-09. Review status: criteria provided, single submitter. Criteria: ACMG Guidelines, 2015. Collection method: clinical testing. Allele origin: germline. Affected: yes. Observed: 2 variant alleles.

Literature cited by the submitters: PubMed 34948090 (cited by Natera, Inc.); PubMed 34721897 (cited by Natera, Inc.); PubMed 10729113 (cited by Labcorp Genetics (formerly Invitae), Labcorp); PubMed 10909849 (cited by Labcorp Genetics (formerly Invitae), Labcorp); PubMed 20507924 (cited by Labcorp Genetics (formerly Invitae), Labcorp); PubMed 25649381 (cited by Labcorp Genetics (formerly Invitae), Labcorp); PubMed 33946315 (cited by Labcorp Genetics (formerly Invitae), Labcorp).